The following is an entry in ClinVar:

ClinVar aggregate classification (germline): Uncertain significance (1 of 4 stars; one submission).

Conditions:
Rubinstein-Taybi syndrome (RSTS). Identifiers: Orphanet 783, MedGen C0035934, MONDO:0019188.

Allele frequency attached by ClinVar (database versions not stated): gnomAD exomes below 0.00001.
gnomAD v4.1: 1 of 1,612,406 alleles (0.000062%); highest among the groups gnomAD compares: Non-Finnish European, 0.000085%; no homozygotes.

Submission:

Labcorp Genetics (formerly Invitae), Labcorp
Classification: Uncertain significance for Rubinstein-Taybi syndrome. Last evaluated: 2023-08-07. Review status: criteria provided, single submitter. Criteria: Invitae Variant Classification Sherloc (09022015). Collection method: clinical testing. Allele origin: germline.
Comment: This sequence change replaces glycine, which is neutral and non-polar, with glutamic acid, which is acidic and polar, at codon 2227 of the CREBBP protein (p.Gly2227Glu). This variant is not present in population databases (gnomAD no frequency). This variant has not been reported in the literature in individuals affected with CREBBP-related conditions. Advanced modeling of protein sequence and biophysical properties (such as structural, functional, and spatial information, amino acid conservation, physicochemical variation, residue mobility, and thermodynamic stability) performed at Invitae indicates that this missense variant is not expected to disrupt CREBBP protein function. In summary, the available evidence is currently insufficient to determine the role of this variant in disease. Therefore, it has been classified as a Variant of Uncertain Significance.

NM_004380.3(CREBBP):c.6680G>A (p.Gly2227Glu)

Gene: CREBBP (CREB binding lysine acetyltransferase; minus strand). Cytogenetic location: 16p13.3.
Variant type: single nucleotide variant.
Coding change: c.6680G>A on transcript NM_004380.3 (MANE Select); coding-DNA position 6680, G replaced by A.
Protein change: p.Gly2227Glu; replaces glycine 2227 with glutamic acid.
Molecular consequence: missense variant.
Genome position (GRCh38, 1-based): chr16:3,728,367, C>T on the plus strand (G>A on the coding strand, the complement: CREBBP is on the minus strand). VCF-style: chr16-3728367-C-T. GRCh37 (hg19) VCF-style: chr16-3778368-C-T.
Other names: c.6566G>A, p.Gly2189Glu (NM_001079846.1); short protein forms G2227E, G2189E.
Identifiers: ClinVar variation 2743563 (VCV002743563.3), dbSNP rs2548344308, ClinGen allele CA394552171.